The following is an entry in ClinVar:

NM_001084.5(PLOD3):c.1564G>A (p.Asp522Asn)

Gene: PLOD3 (procollagen-lysine,2-oxoglutarate 5-dioxygenase 3; minus strand). Cytogenetic location: 7q22.1.
Variant type: single nucleotide variant.
Coding change: c.1564G>A on transcript NM_001084.5 (MANE Select); coding-DNA position 1564, G replaced by A.
Protein change: p.Asp522Asn; replaces aspartic acid 522 with asparagine.
Molecular consequence: missense variant.
Genome position (GRCh38, 1-based): chr7:101,210,381, C>T on the plus strand (G>A on the coding strand, the complement: PLOD3 is on the minus strand). VCF-style: chr7-101210381-C-T. GRCh37 (hg19) VCF-style: chr7-100853662-C-T.
Other names: c.1564G>A (NM_001084.4); short protein forms D522N.
Identifiers: ClinVar variation 3640934 (VCV003640934.3).

ClinVar aggregate classification (germline): Benign/Likely benign. Review status: criteria provided, multiple submitters, no conflicts (2 of 4 stars). 2 submissions from 2 submitters: Benign (1); Likely benign (1). Last evaluated 2026-05-07.

Conditions:
PLOD3-related disorder. Also called: PLOD3-related condition.

Submissions (2):

PreventionGenetics, part of Exact Sciences
Classification: Likely benign for PLOD3-related condition. Last evaluated: 2026-05-07. Review status: criteria provided, single submitter. Criteria: ACMG Guidelines, 2015. Collection method: clinical testing. Allele origin: germline.
Comment: This variant is classified as likely benign based on ACMG/AMP sequence variant interpretation guidelines (Richards et al. 2015 PMID: 25741868, with internal and published modifications).

Labcorp Genetics (formerly Invitae), Labcorp
Classification: Benign. Last evaluated: 2025-05-04. Review status: criteria provided, single submitter. Criteria: Invitae Variant Classification Sherloc (09022015). Collection method: clinical testing. Allele origin: germline.